The following is an entry in ClinVar:

ClinVar aggregate classification (germline): Uncertain significance. Review status: criteria provided, multiple submitters, no conflicts (2 of 4 stars). 2 submissions from 2 submitters: Uncertain significance (2). Last evaluated 2024-07-08.

Conditions:
Ataxia-telangiectasia syndrome (AT). Also called: Ataxia telangiectasia (A-T); Ataxia-telangiectasia, complementation group E; LOUIS-BAR SYNDROME; Cerebello-oculocutaneous telangiectasia; Immunodeficiency with ataxia telangiectasia; Ataxia-telangiectasia, complementation group D. Identifiers: Orphanet 100, MedGen C0004135, MONDO:0008840, OMIM 208900.
Hereditary cancer-predisposing syndrome. Also called: Hereditary Cancer Syndrome; Neoplastic Syndromes, Hereditary; Tumor predisposition; Hereditary neoplastic syndrome. Identifiers: Orphanet 140162, MedGen C0027672, MeSH D009386, MONDO:0015356.

Submissions (2):

Labcorp Genetics (formerly Invitae), Labcorp
Classification: Uncertain significance for Ataxia-telangiectasia syndrome. Last evaluated: 2024-07-08. Review status: criteria provided, single submitter. Criteria: Invitae Variant Classification Sherloc (09022015). Collection method: clinical testing. Allele origin: germline.
Comment: This sequence change replaces isoleucine, which is neutral and non-polar, with valine, which is neutral and non-polar, at codon 339 of the ATM protein (p.Ile339Val). This variant is not present in population databases (gnomAD no frequency). This variant has not been reported in the literature in individuals affected with ATM-related conditions. ClinVar contains an entry for this variant (Variation ID: 232120). Algorithms developed to predict the effect of missense changes on protein structure and function output the following: SIFT: "Not Available"; PolyPhen-2: "Benign"; Align-GVGD: "Not Available". The valine amino acid residue is found in multiple mammalian species, which suggests that this missense change does not adversely affect protein function. In summary, the available evidence is currently insufficient to determine the role of this variant in disease. Therefore, it has been classified as a Variant of Uncertain Significance.

Ambry Genetics
Classification: Uncertain significance for Hereditary cancer-predisposing syndrome. Last evaluated: 2015-06-07. Review status: criteria provided, single submitter. Criteria: Ambry Variant Classification Scheme 2023. Collection method: clinical testing. Allele origin: germline.
Comment: The p.I339V variant (also known as c.1015A>G), located in coding exon 7 of the ATM gene, results from an A to G substitution at nucleotide position 1015. The isoleucine at codon 339 is replaced by valine, an amino acid with highly similar properties. This variant was not reported in population based cohorts in the following databases: Database of Single Nucleotide Polymorphisms (dbSNP), NHLBI Exome Sequencing Project (ESP), and 1000 Genomes Project. In the ESP, this variant was not observed in 6499 samples (12998 alleles) with coverage at this position. To date, this alteration has been detected with an allele frequency of approximately 0.002% (greater than 66000 alleles tested) in our clinical cohort. This amino acid position is not well conserved in available vertebrate species. In addition, this alteration is predicted to be tolerated by in silico analysis. Since supporting evidence is limited at this time, the clinical significance of p.I339V remains unclear.

NM_000051.4(ATM):c.1015A>G (p.Ile339Val)

Gene: ATM (ATM serine/threonine kinase; plus strand). Cytogenetic location: 11q22.3.
Variant type: single nucleotide variant.
Coding change: c.1015A>G on transcript NM_000051.4 (MANE Select); coding-DNA position 1015, A replaced by G.
Protein change: p.Ile339Val; replaces isoleucine 339 with valine.
Molecular consequence: missense variant.
Genome position (GRCh38, 1-based): chr11:108,247,077, A>G. VCF-style: chr11-108247077-A-G. GRCh37 (hg19) VCF-style: chr11-108117804-A-G.
Other names: c.1015A>G, p.Ile339Val (NM_001351834.2); short protein forms I339V.
Identifiers: ClinVar variation 232120 (VCV000232120.8), dbSNP rs876659567, ClinGen allele CA10578989.